The following is an entry in ClinVar:

NM_000170.3(GLDC):c.1729G>A (p.Ala577Thr)

Gene: GLDC (glycine decarboxylase; minus strand). Cytogenetic location: 9p24.1.
Variant type: single nucleotide variant.
Coding change: c.1729G>A on transcript NM_000170.3 (MANE Select); coding-DNA position 1729, G replaced by A.
Protein change: p.Ala577Thr; replaces alanine 577 with threonine.
Molecular consequence: missense variant.
Genome position (GRCh38, 1-based): chr9:6,587,262, C>T on the plus strand (G>A on the coding strand, the complement: GLDC is on the minus strand). VCF-style: chr9-6587262-C-T. GRCh37 (hg19) VCF-style: chr9-6587262-C-T.
Other names: short protein forms A577T.
Identifiers: ClinVar variation 949822 (VCV000949822.10), dbSNP rs1818290393, ClinGen allele CA372891815.
Genomic context (GRCh38, chr9:6,587,262, plus strand): 5'-CTCGGAAAAGCTGCTGATATCCTTGAGCTTGATCCAGAGGCACAAAGGGGTGGATGTTTG[C>T]AAATTCTTTCCATGTGATAGGCTGAAAAGAAAGAAAACAAAAATGCATATATACATATTA-3'
Protein context (NP_000161.2, residues 567-587): ELAPITWKEF[Ala577Thr]NIHPFVPLDQ

ClinVar aggregate classification (germline): Uncertain significance (1 of 4 stars; one submission).

Conditions:
Glycine encephalopathy. Also called: Nonketotic hyperglycinemia; Non-ketotic hyperglycinemia. Identifiers: Orphanet 407, MedGen C0751748, MONDO:0011612, HP:0008288.

Allele frequency attached by ClinVar (database versions not stated): gnomAD exomes below 0.00001.
gnomAD v4.1: 2 of 1,613,750 alleles (0.00012%); highest among the groups gnomAD compares: Non-Finnish European, 0.00017%; no homozygotes.

Submission:

Labcorp Genetics (formerly Invitae), Labcorp
Classification: Uncertain significance for Glycine encephalopathy. Last evaluated: 2019-06-16. Review status: criteria provided, single submitter. Criteria: Invitae Variant Classification Sherloc (09022015). Collection method: clinical testing. Allele origin: germline.
Comment: This sequence change replaces alanine with threonine at codon 577 of the GLDC protein (p.Ala577Thr). The alanine residue is moderately conserved and there is a small physicochemical difference between alanine and threonine. This variant is not present in population databases (ExAC no frequency). This variant has not been reported in the literature in individuals with GLDC-related conditions. Algorithms developed to predict the effect of missense changes on protein structure and function are either unavailable or do not agree on the potential impact of this missense change (SIFT: "Tolerated"; PolyPhen-2: "Possibly Damaging"; Align-GVGD: "Class C0"). In summary, the available evidence is currently insufficient to determine the role of this variant in disease. Therefore, it has been classified as a Variant of Uncertain Significance.